The following is an entry in ClinVar:

ClinVar aggregate classification (germline): Uncertain significance (1 of 4 stars; one submission).

Conditions:
Maturity-onset diabetes of the young type 8 (MODY8). Also called: DIABETES-PANCREATIC EXOCRINE DYSFUNCTION SYNDROME; DIABETES AND PANCREATIC EXOCRINE DYSFUNCTION. Identifiers: Orphanet 552, MedGen C1853297, MONDO:0012348, OMIM 609812.

Allele frequency attached by ClinVar (database versions not stated): gnomAD 0.00001; TOPMed 0.00001; ExAC 0.00002.
gnomAD v4.1: 11 of 1,612,948 alleles (0.00068%); highest among the groups gnomAD compares: Admixed American, 0.0017%; no homozygotes.

Submission:

ARUP Laboratories, Molecular Genetics and Genomics, ARUP Laboratories
Classification: Uncertain significance for Maturity-onset diabetes of the young type 8. Last evaluated: 2023-10-30. Review status: criteria provided, single submitter. Criteria: ARUP Molecular Germline Variant Investigation Process 2024. Collection method: clinical testing. Allele origin: germline.
Comment: The CEL c.526G>A; p.Ala176Thr variant (rs746372103), to our knowledge, is not reported in the medical literature or gene specific databases. This variant is found in the general population with an allele frequency of 0.001% (3/248776 alleles) in the Genome Aggregation Database. The alanine at codon 176 is weakly conserved, and computational analyses predict that this variant is neutral (REVEL: 0.009). Due to limited information, the clinical significance of this variant is uncertain at this time.

NM_001807.6(CEL):c.526G>A (p.Ala176Thr)

Gene: CEL (carboxyl ester lipase; plus strand). Cytogenetic location: 9q34.13.
Variant type: single nucleotide variant.
Coding change: c.526G>A on transcript NM_001807.6 (MANE Select); coding-DNA position 526, G replaced by A.
Protein change: p.Ala176Thr; replaces alanine 176 with threonine.
Molecular consequence: missense variant.
Genome position (GRCh38, 1-based): chr9:133,065,225, G>A. VCF-style: chr9-133065225-G-A. GRCh37 (hg19) VCF-style: chr9-135940612-G-A.
Other names: c.535G>A (NM_001807.4); short protein forms A176T.
Identifiers: ClinVar variation 2921142 (VCV002921142.2), dbSNP rs746372103, ClinGen allele CA5303028.
Genomic context (GRCh38, chr9:133,065,225, plus strand): 5'-GTCATCGTGGTCACCTTCAACTACCGTGTCGGCCCCCTTGGGTTCCTCAGCACTGGGGAC[G>A]CCAATCTGCCAGGTGCGTGGGTGCCTTCGGCCCTGAGGTGGGGCGACCAGCATGCTGAGC-3'
Protein context (NP_001798.3, residues 166-186): GPLGFLSTGD[Ala176Thr]NLPGNYGLRD